The following is an entry in ClinVar:

NM_014003.4(DHX38):c.970C>T (p.Arg324Trp)

Gene: DHX38 (DEAH-box helicase 38; plus strand). Cytogenetic location: 16q22.2.
Variant type: single nucleotide variant.
Coding change: c.970C>T on transcript NM_014003.4 (MANE Select); coding-DNA position 970, C replaced by T.
Protein change: p.Arg324Trp; replaces arginine 324 with tryptophan.
Molecular consequence: missense variant.
Genome position (GRCh38, 1-based): chr16:72,099,741, C>T. VCF-style: chr16-72099741-C-T. GRCh37 (hg19) VCF-style: chr16-72133640-C-T.
Other names: short protein forms R324W.
Identifiers: ClinVar variation 1942303 (VCV001942303.2), dbSNP rs1464865771, ClinGen allele CA396704059.

ClinVar aggregate classification (germline): Uncertain significance (1 of 4 stars; one submission).

Allele frequency attached by ClinVar (database versions not stated): gnomAD 0.00003; TOPMed 0.00003.
gnomAD v4.1: 19 of 1,613,956 alleles (0.0012%); highest among the groups gnomAD compares: Admixed American, 0.018%; no homozygotes.

Submission:

Labcorp Genetics (formerly Invitae), Labcorp
Classification: Uncertain significance. Last evaluated: 2022-08-21. Review status: criteria provided, single submitter. Criteria: Invitae Variant Classification Sherloc (09022015). Collection method: clinical testing. Allele origin: germline.
Comment: This sequence change replaces arginine, which is basic and polar, with tryptophan, which is neutral and slightly polar, at codon 324 of the DHX38 protein (p.Arg324Trp). This variant is present in population databases (no rsID available, gnomAD 0.02%). This variant has not been reported in the literature in individuals affected with DHX38-related conditions. Algorithms developed to predict the effect of missense changes on protein structure and function (SIFT, PolyPhen-2, Align-GVGD) all suggest that this variant is likely to be disruptive. This variant disrupts the p.Arg324 amino acid residue in DHX38. Other variant(s) that disrupt this residue have been determined to be pathogenic (PMID: 30208423). This suggests that this residue is clinically significant, and that variants that disrupt this residue are likely to be disease-causing. In summary, the available evidence is currently insufficient to determine the role of this variant in disease. Therefore, it has been classified as a Variant of Uncertain Significance.

Literature cited by the submitters: PubMed 30208423.